The following is an entry in ClinVar:

ClinVar aggregate classification (germline): Benign/Likely benign. Review status: criteria provided, multiple submitters, no conflicts (2 of 4 stars). 3 submissions from 3 submitters: Benign (1); Likely benign (2). Last evaluated 2018-01-13.

Conditions:
Noonan syndrome 6 (NS6). Also called: NRAS-Related Noonan Syndrome. Identifiers: Orphanet 648, MedGen C2750732, MONDO:0013186, OMIM 613224.

Allele frequency attached by ClinVar (database versions not stated): 1000 Genomes Project 0.00160; 1000 Genomes Project 30x 0.00172; TOPMed 0.00542; gnomAD 0.00647; gnomAD exomes 0.00833.
gnomAD v4.1: 1,165 of 174,332 alleles (0.67%); highest among the groups gnomAD compares: Non-Finnish European, 1%; 7 homozygotes.

Submissions (3):

Illumina Laboratory Services, Illumina
Classification: Likely benign for Noonan syndrome 6. Last evaluated: 2018-01-13. Review status: criteria provided, single submitter. Criteria: ICSL Variant Classification Criteria 13 December 2019. Collection method: clinical testing. Allele origin: germline.
Comment: This variant was observed in the ICSL laboratory as part of a predisposition screen in an ostensibly healthy population. It had not been previously curated by ICSL or reported in the Human Gene Mutation Database (HGMD: prior to June 1st, 2018), and was therefore a candidate for classification through an automated scoring system. Utilizing variant allele frequency, disease prevalence and penetrance estimates, and inheritance mode, an automated score was calculated to assess if this variant is too frequent to cause the disease. Based on the score and internal cut-off values, a variant classified as likely benign is not then subjected to further curation. The score for this variant resulted in a classification of likely benign for this disease.

GeneDx
Classification: Benign. Last evaluated: 2012-02-17. Review status: criteria provided, single submitter. Criteria: GeneDx Variant Classification (06012015). Collection method: clinical testing. Allele origin: germline. Affected: yes.
Comment: This variant is considered likely benign or benign based on one or more of the following criteria: it is a conservative change, it occurs at a poorly conserved position in the protein, it is predicted to be benign by multiple in silico algorithms, and/or has population frequency not consistent with disease.

Breakthrough Genomics
Classification: Likely benign. Review status: criteria provided, single submitter. Criteria: ACMG Guidelines, 2015. Collection method: not provided. Allele origin: germline. Inheritance: Autosomal dominant inheritance. Affected: yes.

NM_002524.5(NRAS):c.-50A>G

Genes: NRAS (NRAS proto-oncogene, GTPase; minus strand), LOC129931249 (ATAC-STARR-seq lymphoblastoid active region 1549; plus strand). Cytogenetic location: 1p13.2.
Variant type: single nucleotide variant.
Coding change: c.-50A>G on transcript NM_002524.5 (MANE Select); 50 bases upstream of the start codon, A replaced by G.
Molecular consequence: 5 prime UTR variant.
Genome position (GRCh38, 1-based): chr1:114,716,690, T>C on the plus strand (A>G on the coding strand, the complement: NRAS is on the minus strand). VCF-style: chr1-114716690-T-C. GRCh37 (hg19) VCF-style: chr1-115259311-T-C.
Other names: c.-50A>G (LRG_92t1).
Identifiers: ClinVar variation 138539 (VCV000138539.6), dbSNP rs61758211, ClinGen allele CA292583.
Genomic context (GRCh38, chr1:114,716,690, plus strand): 5'-CCGAACACTATGCATGAGATAAACTTACCTCAAGCTCCACTGCCTCTGCTTTGGACAGAT[T>C]TAGGACCACAGCCGGGAAAAATGTTGGAGACCCCGGAACCGCCATGAACAGCCCCCACCA-3'